The following is an entry in ClinVar:

NM_022081.6(HPS4):c.1000G>A (p.Glu334Lys)

Gene: HPS4 (HPS4 biogenesis of lysosomal organelles complex 3 subunit 2; minus strand). Cytogenetic location: 22q12.1.
Variant type: single nucleotide variant.
Coding change: c.1000G>A on transcript NM_022081.6 (MANE Select); coding-DNA position 1000, G replaced by A.
Protein change: p.Glu334Lys; replaces glutamic acid 334 with lysine.
Molecular consequence: missense variant. On other transcripts: non-coding transcript variant (8).
Genome position (GRCh38, 1-based): chr22:26,464,630, C>T on the plus strand (G>A on the coding strand, the complement: HPS4 is on the minus strand). VCF-style: chr22-26464630-C-T. GRCh37 (hg19) VCF-style: chr22-26860596-C-T.
Other names: c.1000G>A, p.Glu334Lys (NM_001349898.2, NM_001349899.2, NM_001349902.1 and 5 more transcripts); c.1054G>A, p.Glu352Lys (NM_001349900.2, NM_001349901.1); c.985G>A, p.Glu329Lys (NM_152841.2); short protein forms E329K, E334K, E352K.
Identifiers: ClinVar variation 1713420 (VCV001713420.5), dbSNP rs1308318144, ClinGen allele CA411028373.

ClinVar aggregate classification (germline): Uncertain significance (1 of 4 stars; one submission).

Submission:

Labcorp Genetics (formerly Invitae), Labcorp
Classification: Uncertain significance. Last evaluated: 2022-07-23. Review status: criteria provided, single submitter. Criteria: Invitae Variant Classification Sherloc (09022015). Collection method: clinical testing. Allele origin: germline.
Comment: In summary, the available evidence is currently insufficient to determine the role of this variant in disease. Therefore, it has been classified as a Variant of Uncertain Significance. Algorithms developed to predict the effect of missense changes on protein structure and function output the following: SIFT: "Tolerated"; PolyPhen-2: "Benign"; Align-GVGD: "Class C0". The lysine amino acid residue is found in multiple mammalian species, which suggests that this missense change does not adversely affect protein function. This variant has not been reported in the literature in individuals affected with HPS4-related conditions. This variant is not present in population databases (gnomAD no frequency). This sequence change replaces glutamic acid, which is acidic and polar, with lysine, which is basic and polar, at codon 334 of the HPS4 protein (p.Glu334Lys).